The following is an entry in ClinVar:

NM_000222.3(KIT):c.1329T>C (p.Cys443=)

Gene: KIT (KIT proto-oncogene, receptor tyrosine kinase; plus strand). Cytogenetic location: 4q12.
Variant type: single nucleotide variant.
Coding change: c.1329T>C on transcript NM_000222.3 (MANE Select); coding-DNA position 1329, T replaced by C.
Protein change: p.Cys443=; no amino-acid change (cysteine 443 retained).
Molecular consequence: synonymous variant.
Genome position (GRCh38, 1-based): chr4:54,723,681, T>C. VCF-style: chr4-54723681-T-C. GRCh37 (hg19) VCF-style: chr4-55589847-T-C.
Other names: c.1329T>C, p.Cys443= (NM_001093772.2, NM_001385285.1, NM_001385286.1); c.1332T>C, p.Cys444= (NM_001385284.1, NM_001385288.1, NM_001385290.1 and 1 more transcripts); c.1329T>C (NM_000222.2).
Identifiers: ClinVar variation 1090073 (VCV001090073.11), dbSNP rs768900424, ClinGen allele CA2923454.

ClinVar aggregate classification (germline): Benign/Likely benign. Review status: criteria provided, multiple submitters, no conflicts (2 of 4 stars). 3 submissions from 3 submitters: Benign (1); Likely benign (2). Last evaluated 2026-06-03.

Conditions:
Gastrointestinal stromal tumor. Also called: Gastrointestinal stroma tumor; Gastrointestinal stromal tumor, somatic. Identifiers: Orphanet 44890, MedGen C0238198, MeSH D046152, MONDO:0011719, OMIM 606764, HP:0100723.
Hereditary cancer-predisposing syndrome. Also called: Neoplastic Syndromes, Hereditary; Hereditary Cancer Syndrome; Hereditary neoplastic syndrome; Tumor predisposition. Identifiers: Orphanet 140162, MedGen C0027672, MeSH D009386, MONDO:0015356.

Allele frequency attached by ClinVar (database versions not stated): gnomAD exomes below 0.00001; ExAC 0.00001.
gnomAD v4.1: 1 of 1,610,774 alleles (0.000062%); highest among the groups gnomAD compares: East Asian, 0.0022%; no homozygotes.

Submissions (3):

Myriad Genetics, Inc.
Classification: Benign for Gastrointestinal stromal tumor. Last evaluated: 2026-06-03. Review status: criteria provided, single submitter. Criteria: Myriad Autosomal Dominant, Autosomal Recessive and X-Linked Classification Criteria (2023). Collection method: clinical testing. Allele origin: unknown.
Comment: This variant is considered benign. This variant is a silent/synonymous amino acid change and it is not expected to impact splicing.

Labcorp Genetics (formerly Invitae), Labcorp
Classification: Likely benign for Gastrointestinal stromal tumor. Last evaluated: 2025-12-08. Review status: criteria provided, single submitter. Criteria: Invitae Variant Classification Sherloc (09022015). Collection method: clinical testing. Allele origin: germline.

Ambry Genetics
Classification: Likely benign for Hereditary cancer-predisposing syndrome. Last evaluated: 2024-07-07. Review status: criteria provided, single submitter. Criteria: Ambry Variant Classification Scheme 2023. Collection method: clinical testing. Allele origin: germline.